The following is an entry in ClinVar:

NM_006231.4(POLE):c.43G>A (p.Ala15Thr)

Genes: POLE (DNA polymerase epsilon, catalytic subunit; minus strand), LOC130009266 (ATAC-STARR-seq lymphoblastoid silent region 5123; plus strand). Cytogenetic location: 12q24.33.
Variant type: single nucleotide variant.
Coding change: c.43G>A on transcript NM_006231.4 (MANE Select); coding-DNA position 43, G replaced by A.
Protein change: p.Ala15Thr; replaces alanine 15 with threonine.
Molecular consequence: missense variant.
Genome position (GRCh38, 1-based): chr12:132,687,273, C>T on the plus strand (G>A on the coding strand, the complement: POLE is on the minus strand). VCF-style: chr12-132687273-C-T. GRCh37 (hg19) VCF-style: chr12-133263859-C-T.
Other names: short protein forms A15T.
Identifiers: ClinVar variation 405636 (VCV000405636.16), dbSNP rs1060500788, ClinGen allele CA16613754.

ClinVar aggregate classification (germline): Conflicting classifications of pathogenicity. Review status: criteria provided, conflicting classifications (1 of 4 stars). 3 submissions from 3 submitters: Uncertain significance (2); Likely benign (1). Last evaluated 2025-11-10.

Conditions:
Hereditary cancer-predisposing syndrome. Also called: Hereditary Cancer Syndrome; Hereditary neoplastic syndrome; Neoplastic Syndromes, Hereditary; Tumor predisposition. Identifiers: Orphanet 140162, MedGen C0027672, MeSH D009386, MONDO:0015356.

Allele frequency attached by ClinVar (database versions not stated): TOPMed below 0.00001; gnomAD 0.00001; gnomAD exomes 0.00002.
gnomAD v4.1: 35 of 1,501,604 alleles (0.0023%); highest among the groups gnomAD compares: Non-Finnish European, 0.0029%; no homozygotes.

Submissions (3):

Labcorp Genetics (formerly Invitae), Labcorp
Classification: Uncertain significance. Last evaluated: 2025-11-10. Review status: criteria provided, single submitter. Criteria: Invitae Variant Classification Sherloc (09022015). Collection method: clinical testing. Allele origin: germline.
Comment: This sequence change replaces alanine, which is neutral and non-polar, with threonine, which is neutral and polar, at codon 15 of the POLE protein (p.Ala15Thr). This variant is not present in population databases (gnomAD no frequency). This variant has not been reported in the literature in individuals affected with POLE-related conditions. ClinVar contains an entry for this variant (Variation ID: 405636). An algorithm developed to predict the effect of missense changes on protein structure and function (PolyPhen-2) suggests that this variant is likely to be tolerated. In summary, the available evidence is currently insufficient to determine the role of this variant in disease. Therefore, it has been classified as a Variant of Uncertain Significance.

GeneDx
Classification: Uncertain significance. Last evaluated: 2025-07-06. Review status: criteria provided, single submitter. Criteria: GeneDx Variant Classification Process June 2021. Collection method: clinical testing. Allele origin: germline. Affected: yes.
Comment: Not observed at significant frequency in large population cohorts (gnomAD); In silico analysis suggests that this missense variant does not alter protein structure/function; Has not been previously published as pathogenic or benign to our knowledge

Ambry Genetics
Classification: Likely benign for Hereditary cancer-predisposing syndrome. Last evaluated: 2025-01-03. Review status: criteria provided, single submitter. Criteria: Ambry Variant Classification Scheme 2023. Collection method: clinical testing. Allele origin: germline.